The following is an entry in ClinVar:

ClinVar aggregate classification (germline): Benign/Likely benign. Review status: criteria provided, multiple submitters, no conflicts (2 of 4 stars). 5 submissions from 5 submitters: Benign (1); Likely benign (4). Last evaluated 2026-06-12.

Conditions:
DNAJC19-related disorder. Also called: DNAJC19-related condition.
3-methylglutaconic aciduria type 5. Also called: CARDIOMYOPATHY, DILATED, WITH ATAXIA; MGA, TYPE V; 3 alpha methylglutaconic aciduria type V; MGA 5. Identifiers: Orphanet 66634, MedGen C1857776, MONDO:0012435, OMIM 610198.

Allele frequency attached by ClinVar (database versions not stated): TOPMed 0.00011; gnomAD exomes 0.00013 and 0.00015; ESP Exome Variant Server 0.00015; ExAC 0.00016; gnomAD 0.00010 and 0.00011.
gnomAD v4.1: 238 of 1,613,834 alleles (0.015%); highest among the groups gnomAD compares: Admixed American, 0.022%; no homozygotes.

Submissions (5):

Women's Health and Genetics/Laboratory Corporation of America, LabCorp
Classification: Benign. Last evaluated: 2026-06-12. Review status: criteria provided, single submitter. Criteria: LabCorp Variant Classification Summary - May 2015. Collection method: clinical testing. Allele origin: germline.

Labcorp Genetics (formerly Invitae), Labcorp
Classification: Likely benign for 3-methylglutaconic aciduria type 5. Last evaluated: 2026-01-14. Review status: criteria provided, single submitter. Criteria: Invitae Variant Classification Sherloc (09022015). Collection method: clinical testing. Allele origin: germline.

PreventionGenetics, part of Exact Sciences
Classification: Likely benign for DNAJC19-related condition. Last evaluated: 2024-12-15. Review status: criteria provided, single submitter. Criteria: ACMG Guidelines, 2015. Collection method: clinical testing. Allele origin: germline.
Comment: This variant is classified as likely benign based on ACMG/AMP sequence variant interpretation guidelines (Richards et al. 2015 PMID: 25741868, with internal and published modifications).

Blueprint Genetics
Classification: Likely benign. Last evaluated: 2024-10-08. Review status: criteria provided, single submitter. Criteria: ACMG Guidelines, 2015. Collection method: clinical testing. Allele origin: germline.

GeneDx
Classification: Likely benign. Last evaluated: 2018-05-14. Review status: criteria provided, single submitter. Criteria: GeneDx Variant Classification (06012015). Collection method: clinical testing. Allele origin: germline. Affected: yes.
Comment: This variant is considered likely benign or benign based on one or more of the following criteria: it is a conservative change, it occurs at a poorly conserved position in the protein, it is predicted to be benign by multiple in silico algorithms, and/or has population frequency not consistent with disease.

NM_145261.4(DNAJC19):c.129+15A>C

Gene: DNAJC19 (DnaJ heat shock protein family (Hsp40) member C19; minus strand). Cytogenetic location: 3q26.33.
Variant type: single nucleotide variant.
Coding change: c.129+15A>C on transcript NM_145261.4 (MANE Select); 15 bases into the intron after coding-DNA position 129, A replaced by C.
Molecular consequence: intron variant.
Genome position (GRCh38, 1-based): chr3:180,988,008, T>G on the plus strand (A>C on the coding strand, the complement: DNAJC19 is on the minus strand). VCF-style: chr3-180988008-T-G. GRCh37 (hg19) VCF-style: chr3-180705796-T-G.
Other names: c.54+15A>C (NM_001190233.2).
Identifiers: ClinVar variation 344297 (VCV000344297.11), dbSNP rs201697391, ClinGen allele CA2717128.